The following is an entry in ClinVar:

ClinVar aggregate classification (germline): Uncertain significance (1 of 4 stars; one submission).

Submission:

Labcorp Genetics (formerly Invitae), Labcorp
Classification: Uncertain significance. Last evaluated: 2026-01-13. Review status: criteria provided, single submitter. Criteria: Invitae Variant Classification Sherloc (09022015). Collection method: clinical testing. Allele origin: germline.
Comment: This sequence change replaces arginine, which is basic and polar, with lysine, which is basic and polar, at codon 278 of the BUB1 protein (p.Arg278Lys). This variant is not present in population databases (gnomAD no frequency). This variant has not been reported in the literature in individuals affected with BUB1-related conditions. An algorithm developed to predict the effect of missense changes on protein structure and function outputs the following: PolyPhen-2: "Not Available". The lysine amino acid residue is found in multiple mammalian species, which suggests that this missense change does not adversely affect protein function. In summary, the available evidence is currently insufficient to determine the role of this variant in disease. Therefore, it has been classified as a Variant of Uncertain Significance.

NM_004336.5(BUB1):c.833G>A (p.Arg278Lys)

Gene: BUB1 (BUB1 mitotic checkpoint serine/threonine kinase; minus strand). Cytogenetic location: 2q13.
Variant type: single nucleotide variant.
Coding change: c.833G>A on transcript NM_004336.5 (MANE Select); coding-DNA position 833, G replaced by A.
Protein change: p.Arg278Lys; replaces arginine 278 with lysine.
Molecular consequence: missense variant.
Genome position (GRCh38, 1-based): chr2:110,666,387, C>T on the plus strand (G>A on the coding strand, the complement: BUB1 is on the minus strand). VCF-style: chr2-110666387-C-T. GRCh37 (hg19) VCF-style: chr2-111423964-C-T.
Other names: c.773G>A, p.Arg258Lys (NM_001278616.2); c.833G>A, p.Arg278Lys (NM_001278617.2); short protein forms R258K, R278K.
Identifiers: ClinVar variation 4735303 (VCV004735303.1).